The following is an entry in ClinVar:

ClinVar aggregate classification (germline): Uncertain significance. Review status: criteria provided, multiple submitters, no conflicts (2 of 4 stars). 2 submissions from 2 submitters: Uncertain significance (2). Last evaluated 2025-05-06.

Conditions:
Inborn genetic diseases. Identifiers: MedGen C0950123, MeSH D030342.
Zellweger spectrum disorders (ZS). Also called: Zellweger Spectrum Disorder; Zellweger Spectrum; Zellweger syndrome; Zellweger Spectrum Disorder (ZSD). Identifiers: Orphanet 912, MedGen C0043459, MONDO:0019609.

Allele frequency attached by ClinVar (database versions not stated): gnomAD exomes below 0.00001; gnomAD 0.00002; TOPMed 0.00003.
gnomAD v4.1: 9 of 1,552,564 alleles (0.00058%); highest among the groups gnomAD compares: African/African-American, 0.0054%; no homozygotes.

Submissions (2):

Ambry Genetics
Classification: Uncertain significance for Inborn genetic diseases. Last evaluated: 2025-05-06. Review status: criteria provided, single submitter. Criteria: Ambry Variant Classification Scheme 2023. Collection method: clinical testing. Allele origin: germline.

Labcorp Genetics (formerly Invitae), Labcorp
Classification: Uncertain significance for Zellweger spectrum disorders. Last evaluated: 2022-05-06. Review status: criteria provided, single submitter. Criteria: Invitae Variant Classification Sherloc (09022015). Collection method: clinical testing. Allele origin: germline.
Comment: This sequence change replaces arginine, which is basic and polar, with glutamine, which is neutral and polar, at codon 633 of the PEX1 protein (p.Arg633Gln). The frequency data for this variant in the population databases is considered unreliable, as metrics indicate poor data quality at this position in the gnomAD database. This variant has not been reported in the literature in individuals affected with PEX1-related conditions. Algorithms developed to predict the effect of missense changes on protein structure and function output the following: SIFT: "Tolerated"; PolyPhen-2: "Benign"; Align-GVGD: "Class C0". The glutamine amino acid residue is found in multiple mammalian species, which suggests that this missense change does not adversely affect protein function. In summary, the available evidence is currently insufficient to determine the role of this variant in disease. Therefore, it has been classified as a Variant of Uncertain Significance.

NM_000466.3(PEX1):c.1898G>A (p.Arg633Gln)

Gene: PEX1 (peroxisomal biogenesis factor 1; minus strand). Cytogenetic location: 7q21.2.
Variant type: single nucleotide variant.
Coding change: c.1898G>A on transcript NM_000466.3 (MANE Select); coding-DNA position 1898, G replaced by A.
Protein change: p.Arg633Gln; replaces arginine 633 with glutamine.
Molecular consequence: missense variant.
Genome position (GRCh38, 1-based): chr7:92,506,250, C>T on the plus strand (G>A on the coding strand, the complement: PEX1 is on the minus strand). VCF-style: chr7-92506250-C-T. GRCh37 (hg19) VCF-style: chr7-92135564-C-T.
Other names: c.1898G>A, p.Arg633Gln (NM_001282677.2); c.1274G>A, p.Arg425Gln (NM_001282678.2); c.1898G>A (NM_000466.2); short protein forms R633Q, R425Q.
Identifiers: ClinVar variation 2191829 (VCV002191829.2), dbSNP rs921223589, ClinGen allele CA161965536.